The following is an entry in ClinVar:

ClinVar aggregate classification (germline): Pathogenic. Review status: criteria provided, multiple submitters, no conflicts (2 of 4 stars). 2 submissions from 2 submitters: Pathogenic (2). Last evaluated 2023-02-17.

Conditions:
CYBB-related disorders.
CYBB-related disorder. Also called: CYBB-related condition.

Submissions (2):

PreventionGenetics, part of Exact Sciences
Classification: Pathogenic for CYBB-related condition. Last evaluated: 2023-02-17. Review status: criteria provided, single submitter. Criteria: ACMG Guidelines, 2015. Collection method: clinical testing. Allele origin: germline.
Comment: The CYBB c.720_724del5 variant is predicted to result in a frameshift and premature protein termination (p.Ile241Serfs*3). This variant was reported in an individual with chronic granulomatous disease (reported as 728–32 deletion in Table 2, Rae et al. 1998. PubMed ID: 9585602). This variant has not been reported in a large population database, indicating this variant is rare. Frameshift variants in CYBB are expected to be pathogenic. This variant is interpreted as pathogenic.

Blueprint Genetics
Classification: Pathogenic for CYBB-related disorders. Last evaluated: 2022-10-24. Review status: criteria provided, single submitter. Criteria: ACMG Guidelines, 2015. Collection method: clinical testing. Allele origin: germline. Affected: yes. Observed: 1 variant allele.

NM_000397.4(CYBB):c.720_724del (p.Ile241fs)

Gene: CYBB (cytochrome b-245 beta chain; plus strand). Cytogenetic location: Xp21.1.
Variant type: Deletion.
Coding change: c.720_724del on transcript NM_000397.4 (MANE Select); coding-DNA positions 720 to 724, 5 bases deleted (TATAA; older notation c.720_724delTATAA).
Protein change: p.Ile241fs; shifts the reading frame from isoleucine 241.
Molecular consequence: frameshift variant.
Genome position (GRCh38, 1-based): chrX:37,799,000-37,799,004, TATAA deleted; deleting any 5 consecutive bases within chrX:37,798,996-37,799,004 gives the same sequence; the c. name uses the placement nearest the transcript's 3' end. VCF-style (leftmost placement, unchanged base first): chrX-37798995-CATAAT-C. GRCh37 (hg19) VCF-style: chrX-37658248-CATAAT-C.
Other names: c.720_724del5 (NM_000397.3); short protein forms I241fs.
Identifiers: ClinVar variation 2630151 (VCV002630151.2), dbSNP rs2519204505, ClinGen allele CA2695200171.